The following is an entry in ClinVar:

ClinVar aggregate classification (germline): Uncertain significance. Review status: criteria provided, multiple submitters, no conflicts (2 of 4 stars). 13 submissions from 13 submitters: Uncertain significance (11). 2 of the submissions do not count toward it. Last evaluated 2026-08-07.

Conditions:
TNNC1-related disorder. Also called: TNNC1-related condition.
Cardiovascular phenotype. Identifiers: MedGen CN230736.
Dilated cardiomyopathy 1Z (CMD1Z). Identifiers: Orphanet 154, MedGen C2678475, MONDO:0012745, OMIM 611879.
Hypertrophic cardiomyopathy 13. Also called: TNNC1-Related Familial Hypertrophic Cardiomyopathy. Identifiers: MedGen C2750472, MONDO:0013195, OMIM 613243.
Cardiomyopathy (CMYO). Also called: Cardiomyopathies. Identifiers: Orphanet 167848, MedGen C0878544, MONDO:0004994, HP:0001638. Inheritance: Various modes of inheritance.
Dilated cardiomyopathy 1S (CMD1S). Identifiers: Orphanet 154, Orphanet 54260, MedGen C1834481, MONDO:0013262, OMIM 613426.

Allele frequency attached by ClinVar (database versions not stated): TOPMed 0.00006; gnomAD 0.00010.

Submissions (13):

PreventionGenetics, part of Exact Sciences
Classification: Uncertain significance for TNNC1-related condition. Last evaluated: 2026-08-07. Review status: criteria provided, single submitter. Criteria: ACMG Guidelines, 2015. Collection method: clinical testing. Allele origin: germline.
Comment: The TNNC1 c.435C>A variant is predicted to result in the amino acid substitution p.Asp145Glu. This variant has been reported in multiple individuals with hypertrophic cardiomyopathy (HCM; Landstrom et al. 2008. PubMed ID: 18572189; Table S2, Sepp et al. 2022. PubMed ID: 35626289; Table S1, Chumakova et al. 2023. PubMed ID: 38002985), dilated cardiomyopathy (DCM; Hershberger et al. 2010. PubMed ID: 20215591; Supplemental Data, Klauke et al. 2017. PubMed ID: 29253866; Landim-Vieira et al. 2020. PubMed ID: 32038292), and noncompaction cardiomyopathy (NCM; Table S3, Miszalski-Jamka et al. 2017. PubMed ID: 28798025; Koutsofti et al. 2024. PubMed ID: 38540378). This variant has also been reported in the compound heterozygous state with a pathogenic TNNC1 variant (p.Ala8Val) in a pair of siblings with fatal, neonatal-onset restrictive cardiomyopathy (Ploski et al. 2016. PubMed ID: 27604170). However, it should be noted that many of these individuals harbor additional variants in TNNC1 or other cardiomyopathy-associated genes. Incomplete penetrance has also been observed in heterozygous relatives of affected individuals (for example, see Ploski et al. 2016. PubMed ID: 27604170; Landim-Vieira et al. 2020. PubMed ID: 32038292; Koutsofti et al. 2024. PubMed ID: 38540378). Multiple in vitro studies suggest that this variant leads to increased calcium sensitivity, increased force generation, and impaired interactions with the regulatory region of cardiac troponin I (Landstrom et al. 2008. PubMed ID: 18572189; Pinto et al. 2009. PubMed ID: 19439414; Swindle and Tikunova 2010. PubMed ID: 20459070; Marques et al. 2017. PubMed ID: 28049727; Veltri et al. 2017. PubMed ID: 28386062; Landim-Vieira et al. 2020. PubMed ID: 32038292); however, the extent to which these studies reflect functional changes in vivo is unclear. This variant is reported in 0.026% of alleles in individuals of European (Non-Finnish) descent in gnomAD. At this time, the clinical significance of the p.Asp145Glu variant is uncertain due to the absence of conclusive functional and genetic evidence.

Labcorp Genetics (formerly Invitae), Labcorp
Classification: Uncertain significance for Hypertrophic cardiomyopathy 13; Dilated cardiomyopathy 1Z. Last evaluated: 2024-11-04. Review status: criteria provided, single submitter. Criteria: Invitae Variant Classification Sherloc (09022015). Collection method: clinical testing. Allele origin: germline.
Comment: This sequence change replaces aspartic acid, which is acidic and polar, with glutamic acid, which is acidic and polar, at codon 145 of the TNNC1 protein (p.Asp145Glu). This variant is present in population databases (rs267607124, gnomAD 0.03%). This missense change has been observed in individual(s) with clinical features of TNNC1-related conditions (PMID: 18572189, 21832052, 27604170, 28798025, 32038292). ClinVar contains an entry for this variant (Variation ID: 12445). An algorithm developed to predict the effect of missense changes on protein structure and function (PolyPhen-2) suggests that this variant is likely to be disruptive. Experimental studies have shown that this missense change affects TNNC1 function (PMID: 18572189, 20459070, 21056975, 28530094, 32038292). In summary, the available evidence is currently insufficient to determine the role of this variant in disease. Therefore, it has been classified as a Variant of Uncertain Significance.

Blueprint Genetics
Classification: Uncertain significance. Last evaluated: 2024-07-26. Review status: criteria provided, single submitter. Criteria: ACMG Guidelines, 2015. Collection method: clinical testing. Allele origin: germline.

GeneDx
Classification: Uncertain significance. Last evaluated: 2024-02-21. Review status: criteria provided, single submitter. Criteria: GeneDx Variant Classification Process June 2021. Collection method: clinical testing. Allele origin: germline. Affected: yes.
Comment: In silico analysis supports that this missense variant has a deleterious effect on protein structure/function; Reported as compound heterozygous with other TNNC1 missense variants in two sets of siblings with severe early onset cardiomyopathy; however, the heterozygous relatives were unaffected (PMID: 27604170, 32038292); Reported multiple times in association with cardiomyopathy; however, some of these individuals harbored additional cardiogenetic variants (PMID: 18572189, 20215591, 36788754, 21056975, 27604170); Published functional studies have demonstrated that p.(D145E) increases calcium sensitivity of force recovery, alters the response to protein-protein interactions within the cardiac troponin complex, and alters the response to strong cross-bridge binding (PMID: 21056975, 20459070, 19439414, 21832052); This variant is associated with the following publications: (PMID: 20459070, 26232335, 28798025, 28518168, 19439414, 21832052, 22815480, 28473771, 28530094, 29253866, 32038292, 35626289, 36346469, 28049727, 24744096, 27301361, 20215591, 18572189, 36788754, 21056975, 27604170)

CeGaT Center for Human Genetics Tuebingen
Classification: Uncertain significance. Last evaluated: 2023-12-01. Review status: criteria provided, single submitter. Criteria: CeGaT Center For Human Genetics Tuebingen Variant Classification Criteria Version 2. Collection method: clinical testing. Allele origin: germline. Affected: yes. Observed: 1 variant allele.
Comment: TNNC1: PS3:Moderate, PP3

Ambry Genetics
Classification: Uncertain significance for Cardiovascular phenotype. Last evaluated: 2023-07-25. Review status: criteria provided, single submitter. Criteria: Ambry Variant Classification Scheme 2023. Collection method: clinical testing. Allele origin: germline.
Comment: The p.D145E variant (also known as c.435C>A), located in coding exon 5 of the TNNC1 gene, results from a C to A substitution at nucleotide position 435. The aspartic acid at codon 145 is replaced by glutamic acid, an amino acid with highly similar properties. This alteration has been reported in one proband with hypertrophic cardiomyopathy (HCM), one proband with dilated cardiomyopathy (DCM), and one proband with left ventricular hypertrabeculation (Landstrom AP et al. J. Mol. Cell. Cardiol., 2008 Aug;45:281-8; Hershberger RE et al. Circ Cardiovasc Genet, 2010 Apr;3:155-61; Miszalski-Jamka K et al. Circ Cardiovasc Genet, 2017 Aug;10:[Epub ahead of print]). This variant has also been reported in at least three different families with siblings having early onset DCM or restrictive cardiomyopathy, who had additional TNNC1 variants also detected; family members who were heterozygous for only the p.D145E variant were reportedly unaffected (Ploski R et al. Am J Med Genet A, 2016 12;170:3241-3248; Klauke B et al. PLoS One, 2017 Dec;12:e0189489; Landim-Vieira M et al. Front Physiol, 2019 Jan;10:1612). Functional studies suggest this alteration may have an impact on calcium sensitivity and may have an impact on protein binding between troponin C and troponin I (Landstrom AP et al. J. Mol. Cell. Cardiol., 2008 Aug;45:281-8; Pinto JR et al. J. Biol. Chem., 2009 Jul;284:19090-100; Pinto JR et al. J. Biol. Chem., 2011 Jan;286:1005-13; Swindle N et al. Biochemistry, 2010 Jun;49:4813-20). This amino acid position is highly conserved in available vertebrate species. In addition, this alteration is predicted to be deleterious by in silico analysis. Since supporting evidence is limited at this time, the clinical significance of this alteration remains unclear.

Mayo Clinic Laboratories, Mayo Clinic
Classification: Uncertain significance. Last evaluated: 2022-04-08. Review status: criteria provided, single submitter. Criteria: ACMG Guidelines, 2015. Collection method: clinical testing. Allele origin: germline. Observed: 1 variant allele.

CHEO Genetics Diagnostic Laboratory, Children's Hospital of Eastern Ontario
Classification: Uncertain significance for Cardiomyopathy. Last evaluated: 2021-12-22. Review status: criteria provided, single submitter. Criteria: ACMG Guidelines, 2015. Collection method: clinical testing. Allele origin: germline.

Fulgent Genetics
Classification: Uncertain significance for Dilated cardiomyopathy 1Z; Hypertrophic cardiomyopathy 13. Last evaluated: 2021-09-18. Review status: criteria provided, single submitter. Criteria: ACMG Guidelines, 2015. Collection method: clinical testing. Allele origin: unknown.

Stanford Center for Inherited Cardiovascular Disease, Stanford University
Classification: Uncertain significance. Last evaluated: 2015-06-23. Review status: criteria provided, single submitter. Criteria: ACMG Guidelines, 2015. Collection method: provider interpretation. Allele origin: germline.

Laboratory for Molecular Medicine, Mass General Brigham Personalized Medicine
Classification: Uncertain significance. Last evaluated: 2015-02-20. Review status: criteria provided, single submitter. Criteria: LMM Criteria. Collection method: clinical testing. Allele origin: germline. Observed: 1 variant allele.
Comment: This variant h as been identified in 27/66086 of European chromosomes by the Exome Aggregation Consortium (ExAC; dbSNP rs2567607124). In vitro functional studies indicate this variant may lead to altered calcium sensitivity (Landstrom 2008, Swindle 2010, Pinto 2011a, Pinto 2011b); however, these types of assays may not accurately represent biological function. Computational predic tion tools and conservation analysis do not provide strong support for or agains t an impact to the protein. In summary, the clinical significance of the p.Asp14 5Glu variant is uncertain.

Institut für Laboratoriums- und Transfusionsmedizin, Herz- und Diabeteszentrum Nordrhein-Westfalen
Classification: Likely pathogenic for Dilated cardiomyopathy 1S. Last evaluated: 2016-05-01. Review status: no assertion criteria provided. Collection method: clinical testing. Allele origin: inherited. Affected: yes. Observed: 2 variant alleles. Not counted in ClinVar's aggregate classification.

OMIM
Classification: Pathogenic for CARDIOMYOPATHY, FAMILIAL HYPERTROPHIC, 13. Last evaluated: 2008-08-01. Review status: no assertion criteria provided. Collection method: literature only. Allele origin: germline. Not counted in ClinVar's aggregate classification.

Literature cited by the submitters: PubMed 18572189 (cited by 5 submitters); PubMed 21832052 (cited by 4 submitters); PubMed 27604170 (cited by 3 submitters); PubMed 28798025 (cited by 3 submitters); PubMed 32038292 (cited by 3 submitters); PubMed 20459070 (cited by 4 submitters); PubMed 21056975 (cited by 4 submitters); PubMed 28530094 (cited by 3 submitters); PubMed 19439414 (cited by 3 submitters); PubMed 20215591 (cited by Ambry Genetics and Mayo Clinic Laboratories, Mayo Clinic); PubMed 24744096 (cited by Ambry Genetics); PubMed 28049727 (cited by Ambry Genetics); PubMed 28386062 (cited by Ambry Genetics); PubMed 28473771 (cited by Ambry Genetics); PubMed 28518168 (cited by Ambry Genetics); PubMed 29253866 (cited by Ambry Genetics and Mayo Clinic Laboratories, Mayo Clinic).

NM_003280.3(TNNC1):c.435C>A (p.Asp145Glu)

Gene: TNNC1 (troponin C1, slow skeletal and cardiac type; minus strand). Cytogenetic location: 3p21.1.
Variant type: single nucleotide variant.
Coding change: c.435C>A on transcript NM_003280.3 (MANE Select); coding-DNA position 435, C replaced by A.
Protein change: p.Asp145Glu; replaces aspartic acid 145 with glutamic acid.
Molecular consequence: missense variant.
Genome position (GRCh38, 1-based): chr3:52,451,410, G>T on the plus strand (C>A on the coding strand, the complement: TNNC1 is on the minus strand). VCF-style: chr3-52451410-G-T. GRCh37 (hg19) VCF-style: chr3-52485426-G-T.
Other names: p.D145E:GAC>GAA; short protein forms D145E.
Identifiers: ClinVar variation 12445 (VCV000012445.52), dbSNP rs267607124, ClinGen allele CA122401.
Genomic context (GRCh38, chr3:52,451,410, plus strand): 5'-CAGGGCATGGAGGCAGGAGATCAGCCCACCCACCCGCTTACCATCATAGTCGATGCGGCC[G>T]TCGTTGTTCTTGTCTCCGTCCTTCATGAGCTCCTCGATGTCGTCCTCCGTGATGGTCTCG-3'
Protein context (NP_003271.1, residues 135-155): ELMKDGDKNN[Asp145Glu]GRIDYDEFLE